The following is an entry in ClinVar:

ClinVar aggregate classification (germline): Conflicting classifications of pathogenicity. Review status: criteria provided, conflicting classifications (1 of 4 stars). 13 submissions from 13 submitters: Uncertain significance (11); Benign (1); Likely benign (1). Last evaluated 2026-05-06.

Conditions:
Mismatch repair cancer syndrome 3. Identifiers: MedGen C5436807, MONDO:0030841, OMIM 619097.
Lynch syndrome 5 (LYNCH5). Also called: Hereditary non-polyposis colorectal cancer, type 5; Colorectal cancer, hereditary nonpolyposis, type 5. Identifiers: Orphanet 144, MedGen C1833477, MONDO:0013710, OMIM 614350. Disease mechanism: loss of function.
Endometrial carcinoma. Also called: Endometrial carcinoma, somatic. Identifiers: MedGen C0476089, MONDO:0002447, OMIM 608089, HP:0012114.
Hereditary nonpolyposis colorectal neoplasms. Identifiers: MedGen C0009405, MeSH D003123.
Hereditary cancer-predisposing syndrome. Also called: Tumor predisposition; Hereditary neoplastic syndrome; Neoplastic Syndromes, Hereditary; Hereditary Cancer Syndrome. Identifiers: Orphanet 140162, MedGen C0027672, MeSH D009386, MONDO:0015356.
Breast and/or ovarian cancer. Identifiers: MedGen CN221562.
Lynch syndrome. Identifiers: Orphanet 144, MedGen C4552100, MONDO:0005835. Disease mechanism: loss of function.

Allele frequency attached by ClinVar (database versions not stated): ExAC 0.00001; gnomAD 0.00002; TOPMed 0.00003; gnomAD exomes 0.00002.
gnomAD v4.1: 34 of 1,614,060 alleles (0.0021%); highest among the groups gnomAD compares: South Asian, 0.0055%; no homozygotes.

Submissions (13):

Women's Health and Genetics/Laboratory Corporation of America, LabCorp
Classification: Uncertain significance. Last evaluated: 2026-05-06. Review status: criteria provided, single submitter. Criteria: LabCorp Variant Classification Summary - May 2015. Collection method: clinical testing. Allele origin: germline.
Comment: Variant summary: MSH6 c.899G>A (p.Arg300Gln) results in a conservative amino acid change in the encoded protein sequence. Algorithms developed to predict the effect of missense changes on protein structure and function are either unavailable or do not agree on the potential impact of this missense change. The variant allele was found at a frequency of 2.4e-05 in 251288 control chromosomes. The available data on variant occurrences in the general population are insufficient to allow any conclusion about variant significance. c.899G>A has been observed in individuals affected with breast cancer or biliary tract cancer without strong evidence for causality (Hu_2022, Okawa_2023). These report(s) do not provide unequivocal conclusions about association of the variant with Hereditary Nonpolyposis Colorectal Cancer. To our knowledge, no experimental evidence demonstrating an impact on protein function has been reported. The following publications have been ascertained in the context of this evaluation (PMID: 35449176, 36243179). ClinVar contains an entry for this variant (Variation ID: 216323). Based on the evidence outlined above, the variant was classified as uncertain significance.

Ambry Genetics
Classification: Uncertain significance for Hereditary cancer-predisposing syndrome. Last evaluated: 2026-02-26. Review status: criteria provided, single submitter. Criteria: Ambry Variant Classification Scheme 2023. Collection method: clinical testing. Allele origin: germline.
Comment: The c.899G>A (p.R300Q) alteration is located in exon 4 (coding exon 4) of the MSH6 gene. This alteration results from a G to A substitution at nucleotide position 899, causing the arginine (R) at amino acid position 300 to be replaced by a glutamine (Q). Based on data from gnomAD, the A allele has an overall frequency of 0.003% (7/282686) total alleles studied. The highest observed frequency was 0.004% (1/24942) of African alleles. Based on insufficient or conflicting evidence, the clinical significance of this alteration remains unclear.

Labcorp Genetics (formerly Invitae), Labcorp
Classification: Benign for Hereditary nonpolyposis colorectal neoplasms. Last evaluated: 2026-01-26. Review status: criteria provided, single submitter. Criteria: Invitae Variant Classification Sherloc (09022015). Collection method: clinical testing. Allele origin: germline.

Myriad Genetics, Inc.
Classification: Likely benign for Lynch syndrome 5. Last evaluated: 2025-11-06. Review status: criteria provided, single submitter. Criteria: Myriad Autosomal Dominant, Autosomal Recessive and X-Linked Classification Criteria (2023). Collection method: clinical testing. Allele origin: unknown.
Comment: This variant is considered likely benign. Homozygosity for this variant has been confirmed in one or more individuals lacking clinical features consistent with gene-specific recessive disease, indicating that this variant is unlikely to be pathogenic.

Color Diagnostics, LLC DBA Color Health
Classification: Uncertain significance for Hereditary cancer-predisposing syndrome. Last evaluated: 2025-03-25. Review status: criteria provided, single submitter. Criteria: ACMG Guidelines, 2015. Collection method: clinical testing. Allele origin: germline.
Comment: This missense variant replaces arginine with glutamine at codon 300 of the MSH6 protein. Computational prediction suggests that this variant may not impact protein structure and function. To our knowledge, functional studies have not been reported for this variant. This variant has not been reported in individuals affected with MSH6-related disorders in the literature. This variant has been identified in 7/282686 chromosomes in the general population by the Genome Aggregation Database (gnomAD). The available evidence is insufficient to determine the role of this variant in disease conclusively. Therefore, this variant is classified as a Variant of Uncertain Significance.

Center for Genomic Medicine, Rigshospitalet, Copenhagen University Hospital
Classification: Uncertain significance. Last evaluated: 2025-03-04. Review status: criteria provided, single submitter. Criteria: ACMG Guidelines, 2015. Collection method: clinical testing. Allele origin: germline.

Quest Diagnostics Nichols Institute San Juan Capistrano
Classification: Uncertain significance. Last evaluated: 2025-02-10. Review status: criteria provided, single submitter. Criteria: Quest Diagnostics criteria. Collection method: clinical testing. Allele origin: unknown.
Comment: The MSH6 c.899G>A (p.Arg300Gln) variant has been reported in the published literature in individuals with breast cancer (PMIDs: 35449176 (2022), 33471991 (2021), 25186627 (2015), see also LOVD), as well as in reportedly healthy individuals (PMIDs: 33471991 (2021) and 36243179 (2022)). The frequency of this variant in the general population (Genome Aggregation Database) is uninformative in the assessment of its pathogenicity. Analysis of this variant using bioinformatics tools for the prediction of the effect of amino acid changes on protein structure and function yielded predictions that this variant is benign. Based on the available information, we are unable to determine the clinical significance of this variant.

All of Us Research Program, National Institutes of Health
Classification: Uncertain significance for Lynch syndrome. Last evaluated: 2024-09-23. Review status: criteria provided, single submitter. Criteria: ACMG Guidelines, 2015. Collection method: clinical testing. Allele origin: germline. Inheritance: Autosomal dominant inheritance. Observed: 7 variant alleles, 7 heterozygotes.
Comment: This missense variant replaces arginine with glutamine at codon 300 of the MSH6 protein. Computational prediction suggests that this variant may not impact protein structure and function (internally defined REVEL score threshold <= 0.5, PMID: 27666373). To our knowledge, functional studies have not been reported for this variant. This variant has not been reported as a germline variant in individuals affected with hereditary cancer in the literature. This variant has been identified in 7/282686 chromosomes in the general population by the Genome Aggregation Database (gnomAD). The available evidence is insufficient to determine the role of this variant in disease conclusively. Therefore, this variant is classified as a Variant of Uncertain Significance.

This study involves interpretation of variants in research participants for the purpose of population health screening. Participant phenotype was not available at the time of variant classification. Additional details can be found in publication PMID: 35346344, PMCID: PMC8962531

Fulgent Genetics
Classification: Uncertain significance for Endometrial carcinoma; Lynch syndrome 5; Mismatch repair cancer syndrome 3. Last evaluated: 2024-03-01. Review status: criteria provided, single submitter. Criteria: ACMG Guidelines, 2015. Collection method: clinical testing. Allele origin: germline.

Department of Pathology and Laboratory Medicine, Sinai Health System
Classification: Uncertain significance for Lynch syndrome. Last evaluated: 2023-11-08. Review status: criteria provided, single submitter. Criteria: ACMG Guidelines, 2015. Collection method: clinical testing. Allele origin: germline. Affected: yes.

Baylor Genetics
Classification: Uncertain significance for Endometrial carcinoma. Last evaluated: 2023-10-10. Review status: criteria provided, single submitter. Criteria: ACMG Guidelines, 2015. Collection method: clinical testing. Allele origin: unknown.

GeneDx
Classification: Uncertain significance. Last evaluated: 2023-09-10. Review status: criteria provided, single submitter. Criteria: GeneDx Variant Classification Process June 2021. Collection method: clinical testing. Allele origin: germline. Affected: yes.
Comment: Not observed at significant frequency in large population cohorts (gnomAD); In silico analysis supports that this missense variant does not alter protein structure/function; This variant is associated with the following publications: (PMID: 35449176, 21437237, 25186627, 36243179)

CHEO Genetics Diagnostic Laboratory, Children's Hospital of Eastern Ontario
Classification: Uncertain significance for Breast and/or ovarian cancer. Last evaluated: 2022-10-19. Review status: criteria provided, single submitter. Criteria: ACMG Guidelines, 2015. Collection method: clinical testing. Allele origin: germline.

Literature cited by the submitters: PubMed 35449176 (cited by Women's Health and Genetics/Laboratory Corporation of America, LabCorp and Quest Diagnostics Nichols Institute San Juan Capistrano); PubMed 36243179 (cited by Women's Health and Genetics/Laboratory Corporation of America, LabCorp and Quest Diagnostics Nichols Institute San Juan Capistrano); PubMed 25186627 (cited by Quest Diagnostics Nichols Institute San Juan Capistrano and Department of Pathology and Laboratory Medicine, Sinai Health System); PubMed 35273153 (cited by Quest Diagnostics Nichols Institute San Juan Capistrano); PubMed 32459922 (cited by Quest Diagnostics Nichols Institute San Juan Capistrano); PubMed 33471991 (cited by Quest Diagnostics Nichols Institute San Juan Capistrano); PubMed 30575961 (cited by Quest Diagnostics Nichols Institute San Juan Capistrano).

NM_000179.3(MSH6):c.899G>A (p.Arg300Gln)

Gene: MSH6 (mutS homolog 6; plus strand). Cytogenetic location: 2p16.3.
Variant type: single nucleotide variant.
Coding change: c.899G>A on transcript NM_000179.3 (MANE Select); coding-DNA position 899, G replaced by A.
Protein change: p.Arg300Gln; replaces arginine 300 with glutamine.
Molecular consequence: missense variant. On other transcripts: 5 prime UTR variant (2).
Genome position (GRCh38, 1-based): chr2:47,798,882, G>A. VCF-style: chr2-47798882-G-A. GRCh37 (hg19) VCF-style: chr2-48026021-G-A.
Other names: c.509G>A, p.Arg170Gln (NM_001281492.2); c.-8G>A (NM_001281493.2, NM_001281494.2); short protein forms R300Q, R170Q.
Identifiers: ClinVar variation 216323 (VCV000216323.45), dbSNP rs55760494, ClinGen allele CA073560.